The following is an entry in ClinVar:

NM_017547.4(FOXRED1):c.971+1G>C

Gene: FOXRED1 (FAD dependent oxidoreductase domain containing 1; plus strand). Cytogenetic location: 11q24.2.
Variant type: single nucleotide variant.
Coding change: c.971+1G>C on transcript NM_017547.4 (MANE Select); the canonical splice donor site of the intron after coding-DNA position 971, G replaced by C.
Molecular consequence: splice donor variant.
Genome position (GRCh38, 1-based): chr11:126,276,220, G>C. VCF-style: chr11-126276220-G-C. GRCh37 (hg19) VCF-style: chr11-126146115-G-C.
Identifiers: ClinVar variation 3010554 (VCV003010554.3), dbSNP rs1317808124, ClinGen allele CA383230802.

ClinVar aggregate classification (germline): Likely pathogenic (1 of 4 stars; one submission).

Allele frequency attached by ClinVar (database versions not stated): TOPMed below 0.00001.
gnomAD v4.1: 1 of 1,488,346 alleles (0.000067%); highest among the groups gnomAD compares: Non-Finnish European, 0.00009%; no homozygotes.

Submission:

Labcorp Genetics (formerly Invitae), Labcorp
Classification: Likely pathogenic. Last evaluated: 2023-10-27. Review status: criteria provided, single submitter. Criteria: Invitae Variant Classification Sherloc (09022015). Collection method: clinical testing. Allele origin: germline.
Comment: This sequence change affects a donor splice site in intron 8 of the FOXRED1 gene. It is expected to disrupt RNA splicing. Variants that disrupt the donor or acceptor splice site typically lead to a loss of protein function (PMID: 16199547), and loss-of-function variants in FOXRED1 are known to be pathogenic (PMID: 20818383, 20858599). This variant is present in population databases (no rsID available, gnomAD 0.009%). This variant has not been reported in the literature in individuals affected with FOXRED1-related conditions. Algorithms developed to predict the effect of sequence changes on RNA splicing suggest that this variant may disrupt the consensus splice site. In summary, the currently available evidence indicates that the variant is pathogenic, but additional data are needed to prove that conclusively. Therefore, this variant has been classified as Likely Pathogenic.

Literature cited by the submitters: PubMed 16199547; PubMed 20818383; PubMed 20858599.